The following is an entry in ClinVar:

ClinVar aggregate classification (germline): Uncertain significance (1 of 4 stars; one submission).

Conditions:
Niemann-Pick disease, type C1. Also called: NIEMANN-PICK DISEASE, VARIANT TYPE C1; NEUROVISCERAL STORAGE DISEASE WITH VERTICAL SUPRANUCLEAR OPHTHALMOPLEGIA; NIEMANN-PICK DISEASE WITH CHOLESTEROL ESTERIFICATION BLOCK; NIEMANN-PICK DISEASE WITHOUT SPHINGOMYELINASE DEFICIENCY; NIEMANN-PICK DISEASE, CHRONIC NEURONOPATHIC FORM. Identifiers: Orphanet 646, MedGen C3179455, MONDO:0009757, OMIM 257220.

Allele frequency attached by ClinVar (database versions not stated): gnomAD exomes below 0.00001; TOPMed below 0.00001; gnomAD 0.00001.
gnomAD v4.1: 3 of 1,614,074 alleles (0.00019%); highest among the groups gnomAD compares: African/African-American, 0.0013%; no homozygotes.

Submission:

Labcorp Genetics (formerly Invitae), Labcorp
Classification: Uncertain significance for Niemann-Pick disease, type C1. Last evaluated: 2021-08-24. Review status: criteria provided, single submitter. Criteria: Invitae Variant Classification Sherloc (09022015). Collection method: clinical testing. Allele origin: germline.
Comment: This sequence change replaces glutamine with histidine at codon 1046 of the NPC1 protein (p.Gln1046His). The glutamine residue is weakly conserved and there is a small physicochemical difference between glutamine and histidine. This variant is not present in population databases (ExAC no frequency). This variant has not been reported in the literature in individuals affected with NPC1-related conditions. Advanced modeling of protein sequence and biophysical properties (such as structural, functional, and spatial information, amino acid conservation, physicochemical variation, residue mobility, and thermodynamic stability) performed at Invitae indicates that this missense variant is not expected to disrupt NPC1 protein function. In summary, the available evidence is currently insufficient to determine the role of this variant in disease. Therefore, it has been classified as a Variant of Uncertain Significance.

NM_000271.5(NPC1):c.3138G>T (p.Gln1046His)

Gene: NPC1 (NPC intracellular cholesterol transporter 1; minus strand). Cytogenetic location: 18q11.2.
Variant type: single nucleotide variant.
Coding change: c.3138G>T on transcript NM_000271.5 (MANE Select); coding-DNA position 3138, G replaced by T.
Protein change: p.Gln1046His; replaces glutamine 1046 with histidine.
Molecular consequence: missense variant.
Genome position (GRCh38, 1-based): chr18:23,536,780, C>A on the plus strand (G>T on the coding strand, the complement: NPC1 is on the minus strand). VCF-style: chr18-23536780-C-A. GRCh37 (hg19) VCF-style: chr18-21116744-C-A.
Other names: short protein forms Q1046H.
Identifiers: ClinVar variation 1471022 (VCV001471022.5), dbSNP rs1385614579, ClinGen allele CA401791855.